The following is an entry in ClinVar:

ClinVar aggregate classification (germline): Conflicting classifications of pathogenicity. Review status: criteria provided, conflicting classifications (1 of 4 stars). 4 submissions from 4 submitters: Uncertain significance (3); Likely benign (1). Last evaluated 2026-02-17.

Conditions:
Inborn genetic diseases. Identifiers: MedGen C0950123, MeSH D030342.
Hereditary spastic paraplegia. Also called: Familial spastic paraparesis. Identifiers: Orphanet 685, MedGen C0037773, MONDO:0019064. Disease mechanism: loss of function.
Hereditary spastic paraplegia 12 (SPG12). Also called: SPASTIC PARAPLEGIA 12, AUTOSOMAL DOMINANT. Identifiers: Orphanet 100993, MedGen C1858106, MONDO:0011489, OMIM 604805.

Allele frequency attached by ClinVar (database versions not stated): 1000 Genomes Project 0.00020; 1000 Genomes Project 30x 0.00031.

Submissions (4):

Genetics laboratory, Institute of Kidney Diseases & Research Centre Dr. H.L. Trivedi Institute Of Transplantation Sciences
Classification: Uncertain significance for Hereditary spastic paraplegia 12. Last evaluated: 2026-02-17. Review status: criteria provided, single submitter. Criteria: ACMG Guidelines, 2015. Collection method: clinical testing. Allele origin: germline. Inheritance: Autosomal dominant inheritance. Affected: yes. Observed: 1 variant allele, 1 heterozygote.
Comment: A missense variant, NM_005619.5:c.1217G>A (p.Arg406Gln), was identified in the RTN2 gene. The variant is absent or extremely rare in population databases (PM2). However, there is insufficient additional evidence to establish the pathogenicity of this variant. Therefore, according to the ACMG/AMP guidelines, the variant is classified as a Variant of Uncertain Significance (VUS).

Ambry Genetics
Classification: Uncertain significance for Inborn genetic diseases. Last evaluated: 2025-08-26. Review status: criteria provided, single submitter. Criteria: Ambry Variant Classification Scheme 2023. Collection method: clinical testing. Allele origin: germline.

Genome Diagnostics Laboratory, The Hospital for Sick Children
Classification: Likely benign for Hereditary spastic paraplegia. Last evaluated: 2018-01-01. Review status: criteria provided, single submitter. Criteria: ACMG Guidelines, 2015. Collection method: clinical testing. Allele origin: germline. Affected: yes.

Mayo Clinic Laboratories, Mayo Clinic
Classification: Uncertain significance. Last evaluated: 2017-03-27. Review status: criteria provided, single submitter. Criteria: ACMG Guidelines, 2015. Collection method: clinical testing. Allele origin: germline.

NM_005619.5(RTN2):c.1217G>A (p.Arg406Gln)

Genes: OPA3-RTN2 (OPA3-RTN2 readthrough; minus strand), RTN2 (reticulon 2; minus strand). Cytogenetic location: 19q13.32.
Variant type: single nucleotide variant.
Coding change: c.1217G>A on transcript NM_005619.5 (MANE Select); coding-DNA position 1217, G replaced by A.
Protein change: p.Arg406Gln; replaces arginine 406 with glutamine.
Molecular consequence: missense variant.
Genome position (GRCh38, 1-based): chr19:45,489,370, C>T on the plus strand (G>A on the coding strand, the complement: RTN2 is on the minus strand). VCF-style: chr19-45489370-C-T. GRCh37 (hg19) VCF-style: chr19-45992628-C-T.
Other names: p.R406Q; c.998G>A, p.Arg333Gln (NM_206900.3); c.197G>A, p.Arg66Gln (NM_206901.3); c.1217G>A (NM_005619.3); short protein forms R333Q, R406Q, R66Q.
Identifiers: ClinVar variation 1343962 (VCV001343962.8), dbSNP rs369158895, ClinGen allele CA9516054.